The following is an entry in ClinVar:

ClinVar aggregate classification (germline): Uncertain significance. Review status: criteria provided, multiple submitters, no conflicts (2 of 4 stars). 2 submissions from 2 submitters: Uncertain significance (2). Last evaluated 2025-09-08.

Conditions:
Epilepsy, idiopathic generalized, susceptibility to, 10. Identifiers: MedGen C2751603, MONDO:0013103, OMIM 613060.

Submissions (2):

Clinical Genomics Laboratory, Washington University in St. Louis
Classification: Uncertain significance for Epilepsy, idiopathic generalized, susceptibility to, 10. Last evaluated: 2025-09-08. Review status: criteria provided, single submitter. Criteria: ACMG Guidelines, 2015. Collection method: clinical testing. Allele origin: germline.
Comment: The GABRD c.286C>T (p.Arg96Trp) variant, to our knowledge, has not been reported in the medical literature. This variant has been reported in the ClinVar database as a germline variant of uncertain significance by one submitter. This variant is only observed in 5/1,612,948 alleles in the general population (gnomAD v.4.1.0), indicating it is not a common variant. Computational predictors are uncertain as to the impact of this variant on GABRD function. Due to limited information, the clinical significance of this variant is uncertain.

Victorian Clinical Genetics Services, Murdoch Childrens Research Institute
Classification: Uncertain significance for Epilepsy, idiopathic generalized, susceptibility to, 10. Last evaluated: 2022-09-02. Review status: criteria provided, single submitter. Criteria: ACMG Guidelines, 2015. Collection method: clinical testing. Allele origin: germline. Inheritance: Autosomal dominant inheritance. Affected: yes.
Comment: Based on the classification scheme VCGS_Germline_v1.3.4, this variant is classified as VUS-3B. Following criteria are met: 0101 - Gain of function is a known mechanism of disease in this gene and is associated with epilepsy, idiopathic generalized, 10 (MIM#613060). Functional studies have shown several missense variants cause an increase in current amplitudes and affect channel gating leading to increased tonic GABAergic tone in the brain (PMID: 34633442). Functional studies have also shown that one missense variant observed in an individual with autism but normal intelligence and no seizures causes a loss of function effect (PMID: 34633442). (I) 0107 - This gene is associated with autosomal dominant disease. (I) 0200 - Variant is predicted to result in a missense amino acid change from arginine to tryptophan. (I) 0251 - This variant is heterozygous. (I) 0302 - Variant is present in gnomAD (v3) <0.001 for a dominant condition (1 heterozygote, 0 homozygotes). (I) 0309 - Multiple alternative amino acid changes at the same position have been observed in gnomAD (v2) (highest allele count: 3 heterozygotes, 0 homozygotes). (I) 0502 - Missense variant with conflicting in silico predictions and uninformative conservation. (I) 0600 - Variant is located in the annotated neurotransmitter-gated ion-channel ligand binding domain (DECIPHER). (I) 0705 - No comparable missense variants have previous evidence for pathogenicity. (I) 0807 - This variant has no previous evidence of pathogenicity. (I) 0905 - No published segregation evidence has been identified for this variant. (I) 1007 - No published functional evidence has been identified for this variant. (I) 1208 - Inheritance information for this variant is not currently available in this individual. (I) Legend: (SP) - Supporting pathogenic, (I) - Information, (SB) - Supporting benign

Literature cited by the submitters: PubMed 34633442 (cited by Victorian Clinical Genetics Services, Murdoch Childrens Research Institute).

NM_000815.5(GABRD):c.286C>T (p.Arg96Trp)

Gene: GABRD (gamma-aminobutyric acid type A receptor subunit delta; plus strand). Cytogenetic location: 1p36.33.
Variant type: single nucleotide variant.
Coding change: c.286C>T on transcript NM_000815.5 (MANE Select); coding-DNA position 286, C replaced by T.
Protein change: p.Arg96Trp; replaces arginine 96 with tryptophan.
Molecular consequence: missense variant.
Genome position (GRCh38, 1-based): chr1:2,025,554, C>T. VCF-style: chr1-2025554-C-T. GRCh37 (hg19) VCF-style: chr1-1956993-C-T.
Other names: short protein forms R96W.
Identifiers: ClinVar variation 1805950 (VCV001805950.2), dbSNP rs886818332, ClinGen allele CA16885529.